The following is an entry in ClinVar:

NM_001142800.2(EYS):c.4207del (p.Ile1403fs)

Gene: EYS (EGF-like photoreceptor maintenance factor; minus strand). Cytogenetic location: 6q12.
Variant type: Deletion.
Coding change: c.4207del on transcript NM_001142800.2 (MANE Select); coding-DNA position 4207, one base deleted (A; older notation c.4207delA).
Protein change: p.Ile1403fs; shifts the reading frame from isoleucine 1403.
Molecular consequence: frameshift variant.
Genome position (GRCh38, 1-based): chr6:64,591,660, T deleted on the plus strand (A on the coding strand, the reverse complement: EYS is on the minus strand). VCF-style (leftmost placement, unchanged base first): chr6-64591659-AT-A. GRCh37 (hg19) VCF-style: chr6-65301552-AT-A.
Other names: c.4207del, p.Ile1403fs (NM_001292009.2); short protein forms I1403fs.
Identifiers: ClinVar variation 1459270 (VCV001459270.6), dbSNP rs1766414666, ClinGen allele CA1089845246.

ClinVar aggregate classification (germline): Pathogenic (1 of 4 stars; one submission).

Allele frequency attached by ClinVar (database versions not stated): gnomAD 0.00001.

Submission:

Labcorp Genetics (formerly Invitae), Labcorp
Classification: Pathogenic. Last evaluated: 2021-04-23. Review status: criteria provided, single submitter. Criteria: Invitae Variant Classification Sherloc (09022015). Collection method: clinical testing. Allele origin: germline.
Comment: For these reasons, this variant has been classified as Pathogenic. This variant has not been reported in the literature in individuals with EYS-related conditions. This variant is not present in population databases (ExAC no frequency). This sequence change creates a premature translational stop signal (p.Ile1403Phefs*25) in the EYS gene. It is expected to result in an absent or disrupted protein product. Loss-of-function variants in EYS are known to be pathogenic (PMID: 18836446, 20333770).

Literature cited by the submitters: PubMed 18836446; PubMed 20333770.